The following is an entry in ClinVar:

NM_004333.6(BRAF):c.1765A>C (p.Thr589Pro)

Gene: BRAF (B-Raf proto-oncogene, serine/threonine kinase; minus strand). Cytogenetic location: 7q34.
Variant type: single nucleotide variant.
Coding change: c.1765A>C on transcript NM_004333.6 (MANE Select); coding-DNA position 1765, A replaced by C.
Protein change: p.Thr589Pro; replaces threonine 589 with proline.
Molecular consequence: missense variant.
Genome position (GRCh38, 1-based): chr7:140,753,370, T>G on the plus strand (A>C on the coding strand, the complement: BRAF is on the minus strand). VCF-style: chr7-140753370-T-G. GRCh37 (hg19) VCF-style: chr7-140453170-T-G.
Other names: c.1765A>C, p.Thr589Pro (NM_001354609.2, NM_001378468.1, NM_001378474.1); c.1885A>C, p.Thr629Pro (NM_001374244.1, NM_001374258.1); c.1774A>C, p.Thr592Pro (NM_001378467.1); c.1699A>C, p.Thr567Pro (NM_001378469.1); c.1663A>C, p.Thr555Pro (NM_001378470.1); c.1654A>C, p.Thr552Pro (NM_001378471.1); c.1609A>C, p.Thr537Pro (NM_001378472.1, NM_001378473.1); c.1501A>C, p.Thr501Pro (NM_001378475.1); short protein forms T589P, T501P, T537P, T552P, T555P, T567P, T592P, T629P.
Identifiers: ClinVar variation 372757 (VCV000372757.1), dbSNP rs749287111, ClinGen allele CA16042558.

ClinVar aggregate classification (germline): Likely pathogenic (1 of 4 stars; one submission).

Submission:

GeneDx
Classification: Likely pathogenic. Last evaluated: 2015-11-20. Review status: criteria provided, single submitter. Criteria: GeneDx Variant Classification (06012015). Collection method: clinical testing. Allele origin: germline. Affected: yes.
Comment: The T589P has not been published as a pathogenic variant, nor has it been reported as a benign variant to our knowledge. The T589P variant was not observed in approximately 6,500 individuals of European and African American ancestry in the NHLBI Exome Sequencing Project, indicating it is not a common benign variant in these populations. The T589P variant is a non-conservative amino acid substitution, which is likely to impact secondary protein structure as these residues differ in polarity, charge, size and/or other properties. This substitution occurs at a position that is conserved across species. In silico analysis predicts this variant is probably damaging to the protein structure/function. Therefore, this variant is likely pathogenic; however, the possibility that it is benign cannot be excluded.